The following is an entry in ClinVar:

NM_004260.4(RECQL4):c.2287G>C (p.Gly763Arg)

Gene: RECQL4 (RecQ like helicase 4; minus strand). Cytogenetic location: 8q24.3.
Variant type: single nucleotide variant.
Coding change: c.2287G>C on transcript NM_004260.4 (MANE Select); coding-DNA position 2287, G replaced by C.
Protein change: p.Gly763Arg; replaces glycine 763 with arginine.
Molecular consequence: missense variant.
Genome position (GRCh38, 1-based): chr8:144,513,394, C>G on the plus strand (G>C on the coding strand, the complement: RECQL4 is on the minus strand). VCF-style: chr8-144513394-C-G. GRCh37 (hg19) VCF-style: chr8-145738778-C-G.
Other names: c.2287G>C, p.Gly763Arg (NM_001413019.1, NM_001413036.1); c.2191G>C, p.Gly731Arg (NM_001413020.1); c.1216G>C, p.Gly406Arg (NM_001413021.1, NM_001413022.1, NM_001413023.1 and 5 more transcripts); c.2158G>C, p.Gly720Arg (NM_001413025.1); c.1150G>C, p.Gly384Arg (NM_001413027.1, NM_001413041.1, NM_001413030.1 and 1 more transcripts); c.1186G>C, p.Gly396Arg (NM_001413042.1); c.820G>C, p.Gly274Arg (NM_001413043.1); c.2287G>C (NM_004260.3); and 5 more; short protein forms G384R, G406R, G720R, G731R, G646R, G362R, G396R, G753R.
Identifiers: ClinVar variation 2144531 (VCV002144531.5), dbSNP rs1827626824, ClinGen allele CA372678415.

ClinVar aggregate classification (germline): Uncertain significance. Review status: criteria provided, multiple submitters, no conflicts (2 of 4 stars). 2 submissions from 2 submitters: Uncertain significance (2). Last evaluated 2025-11-22.

Conditions:
Inborn genetic diseases. Identifiers: MedGen C0950123, MeSH D030342.
Baller-Gerold syndrome (BGS). Also called: CRANIOSYNOSTOSIS WITH RADIAL DEFECTS. Identifiers: Orphanet 1225, MedGen C0265308, MONDO:0009039, OMIM 218600.

Submissions (2):

Ambry Genetics
Classification: Uncertain significance for Inborn genetic diseases. Last evaluated: 2025-11-22. Review status: criteria provided, single submitter. Criteria: Ambry Variant Classification Scheme 2023. Collection method: clinical testing. Allele origin: germline.
Comment: The p.G763R variant (also known as c.2287G>C), located in coding exon 14 of the RECQL4 gene, results from a G to C substitution at nucleotide position 2287. The glycine at codon 763 is replaced by arginine, an amino acid with dissimilar properties. This amino acid position is conserved. In addition, this alteration is predicted to be deleterious by in silico analysis. Based on the available evidence, the clinical significance of this variant remains unclear.

Labcorp Genetics (formerly Invitae), Labcorp
Classification: Uncertain significance for Baller-Gerold syndrome. Last evaluated: 2023-08-30. Review status: criteria provided, single submitter. Criteria: Invitae Variant Classification Sherloc (09022015). Collection method: clinical testing. Allele origin: germline.
Comment: In summary, the available evidence is currently insufficient to determine the role of this variant in disease. Therefore, it has been classified as a Variant of Uncertain Significance. Advanced modeling of protein sequence and biophysical properties (such as structural, functional, and spatial information, amino acid conservation, physicochemical variation, residue mobility, and thermodynamic stability) performed at Invitae indicates that this missense variant is expected to disrupt RECQL4 protein function. ClinVar contains an entry for this variant (Variation ID: 2144531). This variant has not been reported in the literature in individuals affected with RECQL4-related conditions. This variant is not present in population databases (gnomAD no frequency). This sequence change replaces glycine, which is neutral and non-polar, with arginine, which is basic and polar, at codon 763 of the RECQL4 protein (p.Gly763Arg).